The following is an entry in ClinVar:

NM_152295.5(TARS1):c.1739G>A (p.Gly580Asp)

Gene: TARS1 (threonyl-tRNA synthetase 1; plus strand). Cytogenetic location: 5p13.3.
Variant type: single nucleotide variant.
Coding change: c.1739G>A on transcript NM_152295.5 (MANE Select); coding-DNA position 1739, G replaced by A.
Protein change: p.Gly580Asp; replaces glycine 580 with aspartic acid.
Molecular consequence: missense variant. On other transcripts: non-coding transcript variant (3).
Genome position (GRCh38, 1-based): chr5:33,462,107, G>A. VCF-style: chr5-33462107-G-A. GRCh37 (hg19) VCF-style: chr5-33462212-G-A.
Other names: c.1739G>A, p.Gly580Asp (NM_001258437.1); c.1838G>A, p.Gly613Asp (NM_001258438.2); short protein forms G580D, G613D.
Identifiers: ClinVar variation 769298 (VCV000769298.36), dbSNP rs138936240, ClinGen allele CA3223474.
Genomic context (GRCh38, chr5:33,462,107, plus strand): 5'-TATAAGAGAAAATATATATAATAAGACAAAACAATTTTTTTTTTCTTTATAGCCATGATG[G>A]TGATGATAAGAAAAGGCCAGTGATTGTTCATCGAGCCATCTTGGGATCAGTGGAAAGAAT-3'
Protein context (NP_689508.3, residues 570-590): RFNLTYVSHD[Gly580Asp]DDKKRPVIVH

ClinVar aggregate classification (germline): Benign. Review status: criteria provided, multiple submitters, no conflicts (2 of 4 stars). 4 submissions from 4 submitters: Benign (3). 1 of the submissions does not count toward it. Last evaluated 2026-09-01.

Conditions:
TARS1-related disorder. Also called: TARS1-related condition.

Allele frequency attached by ClinVar (database versions not stated): 1000 Genomes Project 30x 0.00390; 1000 Genomes Project 0.00439; TOPMed 0.00860; ESP Exome Variant Server 0.01007.

Submissions (4):

CeGaT Center for Human Genetics Tuebingen
Classification: Benign. Last evaluated: 2026-09-01. Review status: criteria provided, single submitter. Criteria: CeGaT Center For Human Genetics Tuebingen Variant Classification Criteria Version 2. Collection method: clinical testing. Allele origin: germline. Affected: yes. Observed: 13 variant alleles.
Comment: TARS1: BS1, BS2

Labcorp Genetics (formerly Invitae), Labcorp
Classification: Benign. Last evaluated: 2018-02-08. Review status: criteria provided, single submitter. Criteria: Invitae Variant Classification Sherloc (09022015). Collection method: clinical testing. Allele origin: germline.

Breakthrough Genomics
Classification: Benign. Review status: criteria provided, single submitter. Criteria: ACMG Guidelines, 2015. Collection method: not provided. Allele origin: germline. Inheritance: Autosomal recessive inheritance. Affected: yes.

PreventionGenetics, part of Exact Sciences
Classification: Benign for TARS1-related condition. Last evaluated: 2019-11-04. Review status: no assertion criteria provided. Collection method: clinical testing. Allele origin: germline. Not counted in ClinVar's aggregate classification.
Comment: This variant is classified as benign based on ACMG/AMP sequence variant interpretation guidelines (Richards et al. 2015 PMID: 25741868, with internal and published modifications).